The following is an entry in ClinVar:

NM_001039958.2(MESP2):c.980C>T (p.Pro327Leu)

Gene: MESP2 (mesoderm posterior bHLH transcription factor 2; plus strand). Cytogenetic location: 15q26.1.
Variant type: single nucleotide variant.
Coding change: c.980C>T on transcript NM_001039958.2 (MANE Select); coding-DNA position 980, C replaced by T.
Protein change: p.Pro327Leu; replaces proline 327 with leucine.
Molecular consequence: missense variant.
Genome position (GRCh38, 1-based): chr15:89,778,120, C>T. VCF-style: chr15-89778120-C-T. GRCh37 (hg19) VCF-style: chr15-90321351-C-T.
Other names: short protein forms P327L.
Identifiers: ClinVar variation 1408407 (VCV001408407.5), dbSNP rs760177391, ClinGen allele CA7730565.
Genomic context (GRCh38, chr15:89,778,120, plus strand): 5'-TGCAGGGTCTCTCTGTGTCTCCAGAGCCCTGTCTGTCGCTGGGAGCTCCATCTCTCCTGC[C>T]CCACCCATCATGCCAGAGACTGCAGCCTCAGACCCCCGGGAGGTGCTGGAGCCACAGTGC-3'
Protein context (NP_001035047.1, residues 317-337): CLSLGAPSLL[Pro327Leu]HPSCQRLQPQ

ClinVar aggregate classification (germline): Uncertain significance (1 of 4 stars; one submission).

Allele frequency attached by ClinVar (database versions not stated): gnomAD exomes below 0.00001; ExAC 0.00001.
gnomAD v4.1: 3 of 1,613,850 alleles (0.00019%); highest among the groups gnomAD compares: Admixed American, 0.0017%; no homozygotes.

Submission:

Labcorp Genetics (formerly Invitae), Labcorp
Classification: Uncertain significance. Last evaluated: 2021-09-02. Review status: criteria provided, single submitter. Criteria: Invitae Variant Classification Sherloc (09022015). Collection method: clinical testing. Allele origin: germline.
Comment: This sequence change replaces proline with leucine at codon 327 of the MESP2 protein (p.Pro327Leu). The proline residue is weakly conserved and there is a moderate physicochemical difference between proline and leucine. This variant is present in population databases (rs760177391, ExAC 0.009%). This variant has not been reported in the literature in individuals affected with MESP2-related conditions. Algorithms developed to predict the effect of missense changes on protein structure and function are either unavailable or do not agree on the potential impact of this missense change (SIFT: "Deleterious"; PolyPhen-2: "Benign"; Align-GVGD: "Class C0"). In summary, the available evidence is currently insufficient to determine the role of this variant in disease. Therefore, it has been classified as a Variant of Uncertain Significance.